The following is an entry in ClinVar:

ClinVar aggregate classification (germline): Pathogenic (1 of 4 stars; one submission).

Conditions:
Tuberous sclerosis 2 (TSC2). Identifiers: Orphanet 805, MedGen C1860707, MONDO:0013199, OMIM 613254.

Submission:

Labcorp Genetics (formerly Invitae), Labcorp
Classification: Pathogenic for Tuberous sclerosis 2. Last evaluated: 2021-08-12. Review status: criteria provided, single submitter. Criteria: Invitae Variant Classification Sherloc (09022015). Collection method: clinical testing. Allele origin: germline.
Comment: This variant is a gross deletion of the genomic region encompassing exon(s) 2 of the TSC2 gene, which includes the initiator codon. This deletion extends beyond the assayed region for this gene and therefore may encompass additional genes. It is expected to result in an absent or disrupted protein product. Loss-of-function variants in TSC2 are known to be pathogenic (PMID: 10205261, 17304050). This variant has not been reported in the literature in individuals affected with TSC2-related conditions. For these reasons, this variant has been classified as Pathogenic.

Literature cited by the submitters: PubMed 10205261; PubMed 17304050.

NC_000016.10:g.(?_2048596)_(2048773_?)del

Gene: TSC2 (TSC complex subunit 2; plus strand). Cytogenetic location: 16p13.3.
Variant type: Deletion.
Identifiers: ClinVar variation 467833 (VCV000467833.7).